The following is an entry in ClinVar:

ClinVar aggregate classification (germline): Uncertain significance (1 of 4 stars; one submission).

Conditions:
Bloom syndrome (BLM). Also called: Bloom-Torre-Machacek syndrome. Identifiers: Orphanet 125, MedGen C0005859, MONDO:0008876, OMIM 210900.

Submission:

Labcorp Genetics (formerly Invitae), Labcorp
Classification: Uncertain significance for Bloom syndrome. Last evaluated: 2020-02-26. Review status: criteria provided, single submitter. Criteria: Invitae Variant Classification Sherloc (09022015). Collection method: clinical testing. Allele origin: germline.
Comment: In summary, the available evidence is currently insufficient to determine the role of this variant in disease. Therefore, it has been classified as a Variant of Uncertain Significance. Algorithms developed to predict the effect of missense changes on protein structure and function output the following: SIFT: "Tolerated"; PolyPhen-2: "Benign"; Align-GVGD: "Class C0". The isoleucine amino acid residue is found in multiple mammalian species, suggesting that this missense change does not adversely affect protein function. These predictions have not been confirmed by published functional studies and their clinical significance is uncertain. This variant has not been reported in the literature in individuals with BLM-related conditions. This variant is not present in population databases (ExAC no frequency). This sequence change replaces threonine with isoleucine at codon 999 of the BLM protein (p.Thr999Ile). The threonine residue is moderately conserved and there is a moderate physicochemical difference between threonine and isoleucine.

NM_000057.4(BLM):c.2996C>T (p.Thr999Ile)

Gene: BLM (BLM RecQ like helicase; plus strand). Cytogenetic location: 15q26.1.
Variant type: single nucleotide variant.
Coding change: c.2996C>T on transcript NM_000057.4 (MANE Select); coding-DNA position 2996, C replaced by T.
Protein change: p.Thr999Ile; replaces threonine 999 with isoleucine.
Molecular consequence: missense variant.
Genome position (GRCh38, 1-based): chr15:90,790,821, C>T. VCF-style: chr15-90790821-C-T. GRCh37 (hg19) VCF-style: chr15-91334051-C-T.
Other names: c.2996C>T, p.Thr999Ile (NM_001287246.2, NM_001287247.2); c.1871C>T, p.Thr624Ile (NM_001287248.2); short protein forms T624I, T999I.
Identifiers: ClinVar variation 1000412 (VCV001000412.10), dbSNP rs1567056730, ClinGen allele CA393846583.